The following is an entry in ClinVar:

NM_001289808.2(CRYAB):c.302A>C (p.His101Pro)

Gene: CRYAB (crystallin alpha B; minus strand). Cytogenetic location: 11q23.1.
Variant type: single nucleotide variant.
Coding change: c.302A>C on transcript NM_001289808.2 (MANE Select); coding-DNA position 302, A replaced by C.
Protein change: p.His101Pro; replaces histidine 101 with proline.
Molecular consequence: missense variant.
Genome position (GRCh38, 1-based): chr11:111,910,349, T>G on the plus strand (A>C on the coding strand, the complement: CRYAB is on the minus strand). VCF-style: chr11-111910349-T-G. GRCh37 (hg19) VCF-style: chr11-111781073-T-G.
Other names: c.302A>C, p.His101Pro (NM_001289807.1, NM_001368245.1, NM_001885.3); c.101A>C, p.His34Pro (NM_001330379.1, NM_001368246.1); short protein forms H34P, H101P.
Identifiers: ClinVar variation 4234570 (VCV004234570.1).
Genomic context (GRCh38, chr11:111,910,349, plus strand): 5'-GAATGAATGAGCAGAAAACAAAAAAACAAGCTACATACCTGGCGCTCTTCATGTTTTCCA[T>G]GCACCTCAATCACATCTCCCAACACCTTAACTTTGAGTTCCTCTGGGGAGAAGTGCTTCA-3'
Protein context (NP_001276737.1, residues 91-111): VKVLGDVIEV[His101Pro]GKHEERQDEH

ClinVar aggregate classification (germline): Uncertain significance (1 of 4 stars; one submission).

Conditions:
Cardiovascular phenotype. Identifiers: MedGen CN230736.

Submission:

Ambry Genetics
Classification: Uncertain significance for Cardiovascular phenotype. Last evaluated: 2025-07-11. Review status: criteria provided, single submitter. Criteria: Ambry Variant Classification Scheme 2023. Collection method: clinical testing. Allele origin: germline.
Comment: The p.H101P variant (also known as c.302A>C), located in coding exon 2 of the CRYAB gene, results from an A to C substitution at nucleotide position 302. The histidine at codon 101 is replaced by proline, an amino acid with similar properties. This variant has been reported as a compound heterozygote in a subject with features of myofibrillar myopathy (Zhang SS et al. Front Pediatr, 2022 Jan;10:993165). This amino acid position is well conserved in available vertebrate species. In addition, this alteration is predicted to be deleterious by in silico analysis. Based on the available evidence, the clinical significance of this variant remains unclear.

Literature cited by the submitters: PubMed 36727013.